The following is an entry in ClinVar:

NM_001276345.2(TNNT2):c.98-14C>T

Gene: TNNT2 (troponin T2, cardiac type; minus strand). Cytogenetic location: 1q32.1.
Variant type: single nucleotide variant.
Coding change: c.98-14C>T on transcript NM_001276345.2 (MANE Select); 14 bases into the intron before coding-DNA position 98, C replaced by T.
Molecular consequence: intron variant.
Genome position (GRCh38, 1-based): chr1:201,368,241, G>A on the plus strand (C>T on the coding strand, the complement: TNNT2 is on the minus strand). VCF-style: chr1-201368241-G-A. GRCh37 (hg19) VCF-style: chr1-201337369-G-A.
Other names: c.53-14C>T (NM_001001432.3); c.68-14C>T (NM_001001431.3, NM_001001430.3, NM_001276347.2); c.98-14C>T (NM_001276346.2, NM_000364.4).
Identifiers: ClinVar variation 1558171 (VCV001558171.11), dbSNP rs918945214, ClinGen allele CA35427891.

ClinVar aggregate classification (germline): Likely benign. Review status: criteria provided, multiple submitters, no conflicts (2 of 4 stars). 3 submissions from 3 submitters: Likely benign (3). Last evaluated 2025-09-14.

Conditions:
Cardiomyopathy (CMYO). Also called: Cardiomyopathies. Identifiers: Orphanet 167848, MedGen C0878544, MONDO:0004994, HP:0001638. Inheritance: Various modes of inheritance.
Cardiomyopathy, familial restrictive, 3. Identifiers: Orphanet 75249, MedGen C2676271, MONDO:0012900, OMIM 612422.
Hypertrophic cardiomyopathy 2. Also called: TNNT2-Related Familial Hypertrophic Cardiomyopathy. Identifiers: MedGen C1861864, MONDO:0007266, OMIM 115195.
Dilated cardiomyopathy 1D. Identifiers: Orphanet 154, Orphanet 54260, MedGen C1832243, MONDO:0011095, OMIM 601494.

Allele frequency attached by ClinVar (database versions not stated): gnomAD 0.00002; TOPMed 0.00003.
gnomAD v4.1: 4 of 1,613,784 alleles (0.00025%); highest among the groups gnomAD compares: African/African-American, 0.004%; no homozygotes.

Submissions (3):

Labcorp Genetics (formerly Invitae), Labcorp
Classification: Likely benign for Cardiomyopathy, familial restrictive, 3; Hypertrophic cardiomyopathy 2; Dilated cardiomyopathy 1D. Last evaluated: 2025-09-14. Review status: criteria provided, single submitter. Criteria: Invitae Variant Classification Sherloc (09022015). Collection method: clinical testing. Allele origin: germline.

All of Us Research Program, National Institutes of Health
Classification: Likely benign for Cardiomyopathy. Last evaluated: 2024-01-11. Review status: criteria provided, single submitter. Criteria: ACMG Guidelines, 2015. Collection method: clinical testing. Allele origin: germline. Inheritance: Autosomal dominant inheritance. Observed: 2 variant alleles, 2 heterozygotes.
Comment: This study involves interpretation of variants in research participants for the purpose of population health screening. Participant phenotype was not available at the time of variant classification. Additional details can be found in publication PMID: 35346344, PMCID: PMC8962531

Color Diagnostics, LLC DBA Color Health
Classification: Likely benign for Cardiomyopathy. Last evaluated: 2023-07-14. Review status: criteria provided, single submitter. Criteria: ACMG Guidelines, 2015. Collection method: clinical testing. Allele origin: germline.